The following is an entry in ClinVar:

NM_022089.4(ATP13A2):c.3442C>T (p.Arg1148Cys)

Gene: ATP13A2 (ATPase cation transporting 13A2; minus strand). Cytogenetic location: 1p36.13.
Variant type: single nucleotide variant.
Coding change: c.3442C>T on transcript NM_022089.4 (MANE Select); coding-DNA position 3442, C replaced by T.
Protein change: p.Arg1148Cys; replaces arginine 1148 with cysteine.
Molecular consequence: missense variant.
Genome position (GRCh38, 1-based): chr1:16,986,322, G>A on the plus strand (C>T on the coding strand, the complement: ATP13A2 is on the minus strand). VCF-style: chr1-16986322-G-A. GRCh37 (hg19) VCF-style: chr1-17312817-G-A.
Other names: c.3427C>T, p.Arg1143Cys (NM_001141973.3); c.3140C>T, p.Pro1047Leu (NM_001141974.3); c.3442C>T (NM_022089.2); short protein forms R1143C, P1047L, R1148C.
Identifiers: ClinVar variation 1420889 (VCV001420889.8), dbSNP rs759327218, ClinGen allele CA636482.

ClinVar aggregate classification (germline): Uncertain significance. Review status: criteria provided, multiple submitters, no conflicts (2 of 4 stars). 3 submissions from 3 submitters: Uncertain significance (3). Last evaluated 2024-10-17.

Conditions:
Kufor-Rakeb syndrome (KRS). Also called: PARKINSON DISEASE 9, AUTOSOMAL RECESSIVE, JUVENILE-ONSET. Identifiers: Orphanet 306674, Orphanet 314632, MedGen C1847640, MONDO:0011706, OMIM 606693.
Autosomal recessive spastic paraplegia type 78. Identifiers: Orphanet 513436, MedGen C5567893, MONDO:0014975, OMIM 617225.
Inborn genetic diseases. Identifiers: MedGen C0950123, MeSH D030342.

Allele frequency attached by ClinVar (database versions not stated): ExAC 0.00002; gnomAD exomes 0.00002 and 0.00003; gnomAD 0.00003 and 0.00004; TOPMed 0.00004.

Submissions (3):

Labcorp Genetics (formerly Invitae), Labcorp
Classification: Uncertain significance for Kufor-Rakeb syndrome; Autosomal recessive spastic paraplegia type 78. Last evaluated: 2024-10-17. Review status: criteria provided, single submitter. Criteria: Invitae Variant Classification Sherloc (09022015). Collection method: clinical testing. Allele origin: germline.
Comment: This sequence change replaces arginine, which is basic and polar, with cysteine, which is neutral and slightly polar, at codon 1148 of the ATP13A2 protein (p.Arg1148Cys). This variant is present in population databases (rs759327218, gnomAD 0.005%). This variant has not been reported in the literature in individuals affected with ATP13A2-related conditions. ClinVar contains an entry for this variant (Variation ID: 1420889). Invitae Evidence Modeling of protein sequence and biophysical properties (such as structural, functional, and spatial information, amino acid conservation, physicochemical variation, residue mobility, and thermodynamic stability) indicates that this missense variant is not expected to disrupt ATP13A2 protein function with a negative predictive value of 80%. In summary, the available evidence is currently insufficient to determine the role of this variant in disease. Therefore, it has been classified as a Variant of Uncertain Significance.

Ambry Genetics
Classification: Uncertain significance for Inborn genetic diseases. Last evaluated: 2024-07-14. Review status: criteria provided, single submitter. Criteria: Ambry Variant Classification Scheme 2023. Collection method: clinical testing. Allele origin: germline.

Blueprint Genetics
Classification: Uncertain significance. Last evaluated: 2023-06-14. Review status: criteria provided, single submitter. Criteria: ACMG Guidelines, 2015. Collection method: clinical testing. Allele origin: germline.